The following is an entry in ClinVar:

ClinVar aggregate classification (germline): Uncertain significance. Review status: criteria provided, multiple submitters, no conflicts (2 of 4 stars). 2 submissions from 2 submitters: Uncertain significance (2). Last evaluated 2022-07-19.

Conditions:
Spastic paraplegia. Identifiers: MedGen C0037772, HP:0001258.

Allele frequency attached by ClinVar (database versions not stated): TOPMed 0.00003; gnomAD 0.00001.
gnomAD v4.1: 34 of 1,613,314 alleles (0.0021%); highest among the groups gnomAD compares: African/African-American, 0.0027%; no homozygotes.

Submissions (2):

Labcorp Genetics (formerly Invitae), Labcorp
Classification: Uncertain significance for Spastic paraplegia. Last evaluated: 2022-07-19. Review status: criteria provided, single submitter. Criteria: Invitae Variant Classification Sherloc (09022015). Collection method: clinical testing. Allele origin: germline.
Comment: This sequence change replaces arginine, which is basic and polar, with cysteine, which is neutral and slightly polar, at codon 745 of the SACS protein (p.Arg745Cys). This variant is present in population databases (rs536614181, gnomAD 0.0009%). This variant has not been reported in the literature in individuals affected with SACS-related conditions. ClinVar contains an entry for this variant (Variation ID: 597875). Algorithms developed to predict the effect of missense changes on protein structure and function are either unavailable or do not agree on the potential impact of this missense change (SIFT: "Deleterious"; PolyPhen-2: "Probably Damaging"; Align-GVGD: "Class C0"). In summary, the available evidence is currently insufficient to determine the role of this variant in disease. Therefore, it has been classified as a Variant of Uncertain Significance.

Eurofins Ntd Llc (ga)
Classification: Uncertain significance. Last evaluated: 2018-06-29. Review status: criteria provided, single submitter. Criteria: EGL ClinVar v180209 classification definitions. Collection method: clinical testing. Allele origin: germline. Observed: 1 variant allele, 1 heterozygote.

NM_014363.6(SACS):c.2233C>T (p.Arg745Cys)

Gene: SACS (sacsin molecular chaperone; minus strand). Cytogenetic location: 13q12.12.
Variant type: single nucleotide variant.
Coding change: c.2233C>T on transcript NM_014363.6 (MANE Select); coding-DNA position 2233, C replaced by T.
Protein change: p.Arg745Cys; replaces arginine 745 with cysteine.
Molecular consequence: missense variant.
Genome position (GRCh38, 1-based): chr13:23,341,643, G>A on the plus strand (C>T on the coding strand, the complement: SACS is on the minus strand). VCF-style: chr13-23341643-G-A. GRCh37 (hg19) VCF-style: chr13-23915782-G-A.
Other names: c.1792C>T, p.Arg598Cys (NM_001278055.2); short protein forms R745C, R598C.
Identifiers: ClinVar variation 597875 (VCV000597875.6), dbSNP rs536614181, ClinGen allele CA6911722.